The following is an entry in ClinVar:

NM_024529.5(CDC73):c.992A>G (p.Lys331Arg)

Gene: CDC73 (cell division cycle 73; plus strand). Cytogenetic location: 1q31.2.
Variant type: single nucleotide variant.
Coding change: c.992A>G on transcript NM_024529.5 (MANE Select); coding-DNA position 992, A replaced by G.
Protein change: p.Lys331Arg; replaces lysine 331 with arginine.
Molecular consequence: missense variant.
Genome position (GRCh38, 1-based): chr1:193,203,814, A>G. VCF-style: chr1-193203814-A-G. GRCh37 (hg19) VCF-style: chr1-193172944-A-G.
Other names: short protein forms K331R.
Identifiers: ClinVar variation 3488497 (VCV003488497.1).

ClinVar aggregate classification (germline): Uncertain significance (1 of 4 stars; one submission).

Conditions:
Hereditary cancer-predisposing syndrome. Also called: Tumor predisposition; Neoplastic Syndromes, Hereditary; Hereditary Cancer Syndrome; Hereditary neoplastic syndrome. Identifiers: Orphanet 140162, MedGen C0027672, MeSH D009386, MONDO:0015356.

Submission:

Ambry Genetics
Classification: Uncertain significance for Hereditary cancer-predisposing syndrome. Last evaluated: 2024-11-26. Review status: criteria provided, single submitter. Criteria: Ambry Variant Classification Scheme 2023. Collection method: clinical testing. Allele origin: germline.
Comment: The p.K331R variant (also known as c.992A>G), located in coding exon 11 of the CDC73 gene, results from an A to G substitution at nucleotide position 992. The lysine at codon 331 is replaced by arginine, an amino acid with highly similar properties. This amino acid position is conserved. In addition, the in silico prediction for this alteration is inconclusive. Based on the available evidence, the clinical significance of this variant remains unclear.